The following is an entry in ClinVar:

ClinVar aggregate classification (germline): Uncertain significance. Review status: criteria provided, multiple submitters, no conflicts (2 of 4 stars). 3 submissions from 3 submitters: Uncertain significance (3). Last evaluated 2023-12-13.

Conditions:
Hereditary cancer-predisposing syndrome. Also called: Tumor predisposition; Hereditary neoplastic syndrome; Neoplastic Syndromes, Hereditary; Hereditary Cancer Syndrome. Identifiers: Orphanet 140162, MedGen C0027672, MeSH D009386, MONDO:0015356.
Hereditary breast ovarian cancer syndrome. Also called: Breast and ovarian cancer; BRCA1- and BRCA2-Associated Hereditary Breast and Ovarian Cancer; Hereditary breast and ovarian cancer; Hereditary breast and/or ovarian cancer syndrome; Hereditary breast and ovarian cancer syndrome; Hereditary breast and ovarian cancer syndrome (HBOC). Identifiers: Orphanet 145, MedGen C0677776, MeSH D061325, MONDO:0003582. Disease mechanism: loss of function.
Breast-ovarian cancer, familial, susceptibility to, 2 (BROVCA2). Also called: BRCA2 Hereditary Breast and Ovarian Cancer. Identifiers: Orphanet 145, MedGen C2675520, MONDO:0012933, OMIM 612555. Disease mechanism: loss of function.

Submissions (3):

All of Us Research Program, National Institutes of Health
Classification: Uncertain significance for Breast-ovarian cancer, familial, susceptibility to, 2. Last evaluated: 2023-12-13. Review status: criteria provided, single submitter. Criteria: ACMG Guidelines, 2015. Collection method: clinical testing. Allele origin: germline. Inheritance: Autosomal dominant inheritance. Observed: 1 variant allele, 1 heterozygote.
Comment: This missense variant replaces phenylalanine with valine at codon 233 of the BRCA2 protein. Computational prediction suggests that this variant may not impact protein structure and function (internally defined REVEL score threshold <= 0.5, PMID: 27666373). To our knowledge, functional studies have not been reported for this variant. This variant has been reported in an individual affected with breast cancer (PMID: 32091409). This variant has not been identified in the general population by the Genome Aggregation Database (gnomAD). The available evidence is insufficient to determine the role of this variant in disease conclusively. Therefore, this variant is classified as a Variant of Uncertain Significance.

This study involves interpretation of variants in research participants for the purpose of population health screening. Participant phenotype was not available at the time of variant classification. Additional details can be found in publication PMID: 35346344, PMCID: PMC8962531

Color Diagnostics, LLC DBA Color Health
Classification: Uncertain significance for Hereditary cancer-predisposing syndrome. Last evaluated: 2023-11-09. Review status: criteria provided, single submitter. Criteria: ACMG Guidelines, 2015. Collection method: clinical testing. Allele origin: germline.
Comment: This missense variant replaces phenylalanine with valine at codon 233 of the BRCA2 protein. Computational prediction suggests that this variant may not impact protein structure and function (internally defined REVEL score threshold <= 0.5, PMID: 27666373). To our knowledge, functional studies have not been reported for this variant. This variant has been reported in an individual affected with breast cancer (PMID: 32091409). This variant has not been identified in the general population by the Genome Aggregation Database (gnomAD). The available evidence is insufficient to determine the role of this variant in disease conclusively. Therefore, this variant is classified as a Variant of Uncertain Significance.

Labcorp Genetics (formerly Invitae), Labcorp
Classification: Uncertain significance for Hereditary breast ovarian cancer syndrome. Last evaluated: 2023-04-12. Review status: criteria provided, single submitter. Criteria: Invitae Variant Classification Sherloc (09022015). Collection method: clinical testing. Allele origin: germline.
Comment: This variant is not present in population databases (gnomAD no frequency). This sequence change replaces phenylalanine, which is neutral and non-polar, with valine, which is neutral and non-polar, at codon 233 of the BRCA2 protein (p.Phe233Val). This variant has not been reported in the literature in individuals affected with BRCA2-related conditions. In summary, the available evidence is currently insufficient to determine the role of this variant in disease. Therefore, it has been classified as a Variant of Uncertain Significance. Advanced modeling of protein sequence and biophysical properties (such as structural, functional, and spatial information, amino acid conservation, physicochemical variation, residue mobility, and thermodynamic stability) performed at Invitae indicates that this missense variant is not expected to disrupt BRCA2 protein function. ClinVar contains an entry for this variant (Variation ID: 927481).

Literature cited by the submitters: PubMed 32091409 (cited by All of Us Research Program, National Institutes of Health and Color Diagnostics, LLC DBA Color Health).

NM_000059.4(BRCA2):c.697T>G (p.Phe233Val)

Gene: BRCA2 (BRCA2 DNA repair associated; plus strand). Cytogenetic location: 13q13.1.
Variant type: single nucleotide variant.
Coding change: c.697T>G on transcript NM_000059.4 (MANE Select); coding-DNA position 697, T replaced by G.
Protein change: p.Phe233Val; replaces phenylalanine 233 with valine.
Molecular consequence: missense variant.
Genome position (GRCh38, 1-based): chr13:32,330,934, T>G. VCF-style: chr13-32330934-T-G. GRCh37 (hg19) VCF-style: chr13-32905071-T-G.
Other names: short protein forms F233V.
Identifiers: ClinVar variation 927481 (VCV000927481.8), dbSNP rs2072384934, ClinGen allele CA387759897.
Genomic context (GRCh38, chr13:32,330,934, plus strand): 5'-ATTGAGAGTTTTTATACTAGTGATTTTAAACTATAATTTTTGCAGAATGTGAAAAGCTAT[T>G]TTTCCAATCATGATGAAAGTCTGAAGAAAAATGATAGATTTATCGCTTCTGTGACAGACA-3'
Protein context (NP_000050.3, residues 223-243): HDTTANVKSY[Phe233Val]SNHDESLKKN